The following is an entry in ClinVar:

NM_000834.5(GRIN2B):c.1963A>G (p.Ile655Val)

Gene: GRIN2B (glutamate ionotropic receptor NMDA type subunit 2B; minus strand). Cytogenetic location: 12p13.1.
Variant type: single nucleotide variant.
Coding change: c.1963A>G on transcript NM_000834.5 (MANE Select); coding-DNA position 1963, A replaced by G.
Protein change: p.Ile655Val; replaces isoleucine 655 with valine.
Molecular consequence: missense variant.
Genome position (GRCh38, 1-based): chr12:13,608,650, T>C on the plus strand (A>G on the coding strand, the complement: GRIN2B is on the minus strand). VCF-style: chr12-13608650-T-C. GRCh37 (hg19) VCF-style: chr12-13761584-T-C.
Other names: short protein forms I655V.
Identifiers: ClinVar variation 1298536 (VCV001298536.36), dbSNP rs1949320223, ClinGen allele CA384050871.

ClinVar aggregate classification (germline): Likely pathogenic. Review status: criteria provided, multiple submitters, no conflicts (2 of 4 stars). 2 submissions from 2 submitters: Likely pathogenic (2). Last evaluated 2022-09-01.

Conditions:
Developmental and epileptic encephalopathy, 27 (DEE27). Also called: GRIN2B-Related Neurodevelopmental Disorder; Epileptic encephalopathy, early infantile, 27. Identifiers: Orphanet 3451, MedGen C4015316, MONDO:0014505, OMIM 616139.

Submissions (2):

3billion
Classification: Likely pathogenic for Developmental and epileptic encephalopathy, 27. Last evaluated: 2022-09-01. Review status: criteria provided, single submitter. Criteria: ACMG Guidelines, 2015. Collection method: clinical testing. Allele origin: germline. Affected: yes. Observed: 1 heterozygote.
Comment: The variant is not observed in the gnomAD v2.1.1 dataset. Missense changes are a common disease-causing mechanism. In silico tool predictions suggest damaging effect of the variant on gene or gene product (REVEL: 0.28; 3Cnet: 0.95). Same nucleotide change resulting in same amino acid change (ClinVar ID: VCV001298536 ) and a different missense change at the same codon (p.Ile655Phe; ClinVar ID: VCV000916612 / PMID: 28377535 ) have been previously reported to be associated with GRIN2B-related disorder. Therefore, this variant is classified as Likely pathogenic according to the recommendation of ACMG/AMP guideline.

CeGaT Center for Human Genetics Tuebingen
Classification: Likely pathogenic. Last evaluated: 2021-08-01. Review status: criteria provided, single submitter. Criteria: CeGaT Center For Human Genetics Tuebingen Variant Classification Criteria Version 2. Collection method: clinical testing. Allele origin: germline. Affected: yes. Observed: 1 variant allele.

Literature cited by the submitters: PubMed 28377535 (cited by 3billion).